The following is an entry in ClinVar:

ClinVar aggregate classification (germline): Uncertain significance (1 of 4 stars; one submission).

gnomAD v4.1: 1 of 1,612,330 alleles (0.000062%); highest among the groups gnomAD compares: Non-Finnish European, 0.000085%; no homozygotes.

Submission:

Labcorp Genetics (formerly Invitae), Labcorp
Classification: Uncertain significance. Last evaluated: 2025-10-08. Review status: criteria provided, single submitter. Criteria: Invitae Variant Classification Sherloc (09022015). Collection method: clinical testing. Allele origin: germline.
Comment: This sequence change replaces methionine, which is neutral and non-polar, with isoleucine, which is neutral and non-polar, at codon 312 of the DVL1 protein (p.Met312Ile). This variant is not present in population databases (gnomAD no frequency). This variant has not been reported in the literature in individuals affected with DVL1-related conditions. Invitae Evidence Modeling of protein sequence and biophysical properties (such as structural, functional, and spatial information, amino acid conservation, physicochemical variation, residue mobility, and thermodynamic stability) indicates that this missense variant is expected to disrupt DVL1 protein function with a positive predictive value of 80%. In summary, the available evidence is currently insufficient to determine the role of this variant in disease. Therefore, it has been classified as a Variant of Uncertain Significance.

NM_001330311.2(DVL1):c.936G>A (p.Met312Ile)

Gene: DVL1 (dishevelled segment polarity protein 1; minus strand). Cytogenetic location: 1p36.33.
Variant type: single nucleotide variant.
Coding change: c.936G>A on transcript NM_001330311.2 (MANE Select); coding-DNA position 936, G replaced by A.
Protein change: p.Met312Ile; replaces methionine 312 with isoleucine.
Molecular consequence: missense variant.
Genome position (GRCh38, 1-based): chr1:1,339,786, C>T on the plus strand (G>A on the coding strand, the complement: DVL1 is on the minus strand). VCF-style: chr1-1339786-C-T. GRCh37 (hg19) VCF-style: chr1-1275166-C-T.
Other names: c.936G>A, p.Met312Ile (NM_004421.3); short protein forms M312I.
Identifiers: ClinVar variation 4774947 (VCV004774947.1).